The following is an entry in ClinVar:

NM_004629.2(FANCG):c.1021G>A (p.Gly341Ser)

Gene: FANCG (FA complementation group G; minus strand). Cytogenetic location: 9p13.3.
Variant type: single nucleotide variant.
Coding change: c.1021G>A on transcript NM_004629.2 (MANE Select); coding-DNA position 1021, G replaced by A.
Protein change: p.Gly341Ser; replaces glycine 341 with serine.
Molecular consequence: missense variant.
Genome position (GRCh38, 1-based): chr9:35,076,487, C>T on the plus strand (G>A on the coding strand, the complement: FANCG is on the minus strand). VCF-style: chr9-35076487-C-T. GRCh37 (hg19) VCF-style: chr9-35076484-C-T.
Other names: short protein forms G341S.
Identifiers: ClinVar variation 3512854 (VCV003512854.4).

ClinVar aggregate classification (germline): Uncertain significance. Review status: criteria provided, multiple submitters, no conflicts (2 of 4 stars). 3 submissions from 3 submitters: Uncertain significance (3). Last evaluated 2025-10-07.

Conditions:
Fanconi anemia complementation group G. Also called: Fanconi anemia group G; FANCG-Related Fanconi Anemia. Identifiers: Orphanet 84, MedGen C3469527, MONDO:0013565, OMIM 614082.
Inborn genetic diseases. Identifiers: MedGen C0950123, MeSH D030342.
Fanconi anemia (FA). Also called: Fanconi's anemia. Identifiers: Orphanet 84, MedGen C0015625, MeSH D005199, MONDO:0019391.

gnomAD v4.1: 12 of 1,614,150 alleles (0.00074%); highest among the groups gnomAD compares: African/African-American, 0.013%; no homozygotes.

Submissions (3):

Ambry Genetics
Classification: Uncertain significance for Inborn genetic diseases. Last evaluated: 2025-10-07. Review status: criteria provided, single submitter. Criteria: Ambry Variant Classification Scheme 2023. Collection method: clinical testing. Allele origin: germline.

Labcorp Genetics (formerly Invitae), Labcorp
Classification: Uncertain significance for Fanconi anemia. Last evaluated: 2024-12-17. Review status: criteria provided, single submitter. Criteria: Invitae Variant Classification Sherloc (09022015). Collection method: clinical testing. Allele origin: germline.
Comment: This sequence change replaces glycine, which is neutral and non-polar, with serine, which is neutral and polar, at codon 341 of the FANCG protein (p.Gly341Ser). This variant is present in population databases (rs369622138, gnomAD 0.03%). This variant has not been reported in the literature in individuals affected with FANCG-related conditions. Invitae Evidence Modeling of protein sequence and biophysical properties (such as structural, functional, and spatial information, amino acid conservation, physicochemical variation, residue mobility, and thermodynamic stability) indicates that this missense variant is not expected to disrupt FANCG protein function with a negative predictive value of 80%. Algorithms developed to predict the effect of sequence changes on RNA splicing suggest that this variant may disrupt the consensus splice site. In summary, the available evidence is currently insufficient to determine the role of this variant in disease. Therefore, it has been classified as a Variant of Uncertain Significance.

Fulgent Genetics
Classification: Uncertain significance for Fanconi anemia complementation group G. Last evaluated: 2024-01-06. Review status: criteria provided, single submitter. Criteria: ACMG Guidelines, 2015. Collection method: clinical testing. Allele origin: germline.